The following is an entry in ClinVar:

NM_000733.4(CD3E):c.103+1G>T

Gene: CD3E (CD3 epsilon subunit of T-cell receptor complex; plus strand). Cytogenetic location: 11q23.3.
Variant type: single nucleotide variant.
Coding change: c.103+1G>T on transcript NM_000733.4 (MANE Select); the canonical splice donor site of the intron after coding-DNA position 103, G replaced by T.
Molecular consequence: splice donor variant.
Genome position (GRCh38, 1-based): chr11:118,312,171, G>T. VCF-style: chr11-118312171-G-T. GRCh37 (hg19) VCF-style: chr11-118182886-G-T.
Identifiers: ClinVar variation 570046 (VCV000570046.7), dbSNP rs201543770, ClinGen allele CA382781584.

ClinVar aggregate classification (germline): Likely pathogenic (1 of 4 stars; one submission).

Conditions:
Immunodeficiency 18 (IMD18). Also called: CD3epsilon deficiency; CD3-EPSILON DEFICIENCY. Identifiers: MedGen C3810127, MONDO:0014278, OMIM 615615.

Submission:

Labcorp Genetics (formerly Invitae), Labcorp
Classification: Likely pathogenic for Immunodeficiency 18. Last evaluated: 2023-02-08. Review status: criteria provided, single submitter. Criteria: Invitae Variant Classification Sherloc (09022015). Collection method: clinical testing. Allele origin: germline.
Comment: In summary, the currently available evidence indicates that the variant is pathogenic, but additional data are needed to prove that conclusively. Therefore, this variant has been classified as Likely Pathogenic. Algorithms developed to predict the effect of sequence changes on RNA splicing suggest that this variant may disrupt the consensus splice site. ClinVar contains an entry for this variant (Variation ID: 570046). This variant has not been reported in the literature in individuals affected with CD3E-related conditions. This variant is present in population databases (no rsID available, gnomAD 0.0009%). This sequence change affects a donor splice site in intron 5 of the CD3E gene. It is expected to disrupt RNA splicing. Variants that disrupt the donor or acceptor splice site typically lead to a loss of protein function (PMID: 16199547), and loss-of-function variants in CD3E are known to be pathogenic (PMID: 8490660, 15546002).

Literature cited by the submitters: PubMed 16199547; PubMed 8490660; PubMed 15546002.